The following is an entry in ClinVar:

ClinVar aggregate classification (germline): Uncertain significance. Review status: criteria provided, multiple submitters, no conflicts (2 of 4 stars). 2 submissions from 2 submitters: Uncertain significance (2). Last evaluated 2026-02-22.

Conditions:
Deafness-lymphedema-leukemia syndrome. Also called: Lymphedema, primary, with myelodysplasia; Emberger syndrome. Identifiers: Orphanet 3226, MedGen C3279664, MONDO:0013540, OMIM 614038.
Monocytopenia with susceptibility to infections. Also called: MONOCYTOPENIA AND MYCOBACTERIAL INFECTION SYNDROME; MONOCYTOPENIA WITH SUSCEPTIBILITY TO MYCOBACTERIAL, FUNGAL, AND PAPILLOMAVIRUS INFECTIONS AND MYELODYSPLASIA; COMBINED IMMUNODEFICIENCY WITH SUSCEPTIBILITY TO MYCOBACTERIAL, VIRAL, AND FUNGAL INFECTIONS; Dendritic cell, monocyte, B lymphocyte, and natural killer lymphocyte deficiency; IMMUNODEFICIENCY 21; GATA2 DEFICIENCY. Identifiers: Orphanet 228423, MedGen C3280030, MONDO:0013607, OMIM 614172.
Inborn genetic diseases. Identifiers: MedGen C0950123, MeSH D030342.

Submissions (2):

Ambry Genetics
Classification: Uncertain significance for Inborn genetic diseases. Last evaluated: 2026-02-22. Review status: criteria provided, single submitter. Criteria: Ambry Variant Classification Scheme 2023. Collection method: clinical testing. Allele origin: germline.
Comment: The p.P8L variant (also known as c.23C>T), located in coding exon 1 of the GATA2 gene, results from a C to T substitution at nucleotide position 23. The proline at codon 8 is replaced by leucine, an amino acid with similar properties. This amino acid position is conserved. In addition, this alteration is predicted to be deleterious by in silico analysis. Based on the available evidence, the clinical significance of this variant remains unclear.

Labcorp Genetics (formerly Invitae), Labcorp
Classification: Uncertain significance for Dendritic cell, monocyte, B lymphocyte, and natural killer lymphocyte deficiency; Lymphedema, primary, with myelodysplasia. Last evaluated: 2019-02-19. Review status: criteria provided, single submitter. Criteria: Invitae Variant Classification Sherloc (09022015). Collection method: clinical testing. Allele origin: germline.
Comment: This sequence change replaces proline with leucine at codon 8 of the GATA2 protein (p.Pro8Leu). The proline residue is moderately conserved and there is a moderate physicochemical difference between proline and leucine. This variant is not present in population databases (ExAC no frequency). This variant has not been reported in the literature in individuals with GATA2-related conditions. Algorithms developed to predict the effect of missense changes on protein structure and function are either unavailable or do not agree on the potential impact of this missense change (SIFT: "Tolerated"; PolyPhen-2: "Probably Damaging"; Align-GVGD: "Class C0"). In summary, the available evidence is currently insufficient to determine the role of this variant in disease. Therefore, it has been classified as a Variant of Uncertain Significance.

NM_032638.5(GATA2):c.23C>T (p.Pro8Leu)

Gene: GATA2 (GATA binding protein 2; minus strand). Cytogenetic location: 3q21.3.
Variant type: single nucleotide variant.
Coding change: c.23C>T on transcript NM_032638.5 (MANE Select); coding-DNA position 23, C replaced by T.
Protein change: p.Pro8Leu; replaces proline 8 with leucine.
Molecular consequence: missense variant.
Genome position (GRCh38, 1-based): chr3:128,487,009, G>A on the plus strand (C>T on the coding strand, the complement: GATA2 is on the minus strand). VCF-style: chr3-128487009-G-A. GRCh37 (hg19) VCF-style: chr3-128205852-G-A.
Other names: c.23C>T, p.Pro8Leu (NM_001145661.2, NM_001145662.1); short protein forms P8L.
Identifiers: ClinVar variation 855197 (VCV000855197.2), dbSNP rs771557922, ClinGen allele CA354409268.